The following is an entry in ClinVar:

ClinVar aggregate classification (germline): Uncertain significance (1 of 4 stars; one submission).

Conditions:
Brugada syndrome. Also called: Sudden unexpected nocturnal death syndrome; Sudden unexplained nocturnal death syndrome; Sudden Unexplained Death Syndrome; Sudden Unexplained Nocturnal Death Syndrome (SUNDS). Identifiers: Orphanet 130, MedGen C1142166, MONDO:0015263.

Submission:

Labcorp Genetics (formerly Invitae), Labcorp
Classification: Uncertain significance for Brugada syndrome. Last evaluated: 2025-12-19. Review status: criteria provided, single submitter. Criteria: Invitae Variant Classification Sherloc (09022015). Collection method: clinical testing. Allele origin: germline.
Comment: This sequence change replaces aspartic acid, which is acidic and polar, with histidine, which is basic and polar, at codon 558 of the SLMAP protein (p.Asp558His). This variant is not present in population databases (gnomAD no frequency). This variant has not been reported in the literature in individuals affected with SLMAP-related conditions. An algorithm developed to predict the effect of missense changes on protein structure and function outputs the following: PolyPhen-2: "Benign". The histidine amino acid residue is found in multiple mammalian species, which suggests that this missense change does not adversely affect protein function. In summary, the available evidence is currently insufficient to determine the role of this variant in disease. Therefore, it has been classified as a Variant of Uncertain Significance.

NM_001377540.1(SLMAP):c.1774G>C (p.Asp592His)

Gene: SLMAP (sarcolemma associated protein; plus strand). Cytogenetic location: 3p14.3.
Variant type: single nucleotide variant.
Coding change: c.1774G>C on transcript NM_001377540.1 (MANE Select); coding-DNA position 1774, G replaced by C.
Protein change: p.Asp592His; replaces aspartic acid 592 with histidine.
Molecular consequence: missense variant. On other transcripts: non-coding transcript variant (1).
Genome position (GRCh38, 1-based): chr3:57,912,455, G>C. VCF-style: chr3-57912455-G-C. GRCh37 (hg19) VCF-style: chr3-57898182-G-C.
Other names: c.1723G>C, p.Asp575His (NM_001304420.3, NM_001377541.1, NM_001377542.1); c.1609G>C, p.Asp537His (NM_001304421.2, NM_001377557.1, NM_001377559.1); c.325G>C, p.Asp109His (NM_001304422.3, NM_001311178.2); c.127G>C, p.Asp43His (NM_001304423.3); c.202G>C, p.Asp68His (NM_001311179.2, NM_001377926.1, NM_001377927.1 and 1 more transcripts); c.1795G>C, p.Asp599His (NM_001377538.1); c.1774G>C, p.Asp592His (NM_001377539.1); c.1711G>C, p.Asp571His (NM_001377545.1); and 8 more; short protein forms D109H, D513H, D43H, D496H, D517H, D534H, D537H, D551H.
Identifiers: ClinVar variation 4747746 (VCV004747746.1).